The following is an entry in ClinVar:

ClinVar aggregate classification (germline): Benign/Likely benign. Review status: criteria provided, multiple submitters, no conflicts (2 of 4 stars). 5 submissions from 5 submitters: Benign (1); Likely benign (4). Last evaluated 2025-02-07.

Conditions:
Familial cancer of breast. Also called: BREAST CANCER, FAMILIAL; hereditary breast carcinoma; Hereditary breast cancer. Identifiers: Orphanet 227535, MedGen C0346153, MONDO:0016419, OMIM 114480. Disease mechanism: loss of function.
Fanconi anemia complementation group J. Also called: BRIP1-Related Fanconi Anemia. Identifiers: Orphanet 84, MedGen C1836860, MONDO:0012187, OMIM 609054.
Hereditary cancer-predisposing syndrome. Also called: Neoplastic Syndromes, Hereditary; Hereditary neoplastic syndrome; Tumor predisposition; Hereditary Cancer Syndrome. Identifiers: Orphanet 140162, MedGen C0027672, MeSH D009386, MONDO:0015356.

Submissions (5):

Labcorp Genetics (formerly Invitae), Labcorp
Classification: Likely benign for Familial cancer of breast; Fanconi anemia complementation group J. Last evaluated: 2025-02-07. Review status: criteria provided, single submitter. Criteria: Invitae Variant Classification Sherloc (09022015). Collection method: clinical testing. Allele origin: germline.

Myriad Genetics, Inc.
Classification: Benign for Familial cancer of breast. Last evaluated: 2024-08-28. Review status: criteria provided, single submitter. Criteria: Myriad Autosomal Dominant, Autosomal Recessive and X-Linked Classification Criteria (2023). Collection method: clinical testing. Allele origin: unknown.
Comment: This variant is considered benign. This variant is a silent/synonymous amino acid change and it is not expected to impact splicing.

GeneDx
Classification: Likely benign. Last evaluated: 2018-03-15. Review status: criteria provided, single submitter. Criteria: GeneDx Variant Classification (06012015). Collection method: clinical testing. Allele origin: germline. Affected: yes.
Comment: This variant is considered likely benign or benign based on one or more of the following criteria: it is a conservative change, it occurs at a poorly conserved position in the protein, it is predicted to be benign by multiple in silico algorithms, and/or has population frequency not consistent with disease.

Color Diagnostics, LLC DBA Color Health
Classification: Likely benign for Hereditary cancer-predisposing syndrome. Last evaluated: 2016-03-29. Review status: criteria provided, single submitter. Criteria: ACMG Guidelines, 2015. Collection method: clinical testing. Allele origin: germline.

Ambry Genetics
Classification: Likely benign for Hereditary cancer-predisposing syndrome. Last evaluated: 2016-03-20. Review status: criteria provided, single submitter. Criteria: Ambry Variant Classification Scheme 2023. Collection method: clinical testing. Allele origin: germline.

NM_032043.3(BRIP1):c.1506A>G (p.Glu502=)

Gene: BRIP1 (BRCA1 interacting DNA helicase 1; minus strand). Cytogenetic location: 17q23.2.
Variant type: single nucleotide variant.
Coding change: c.1506A>G on transcript NM_032043.3 (MANE Select); coding-DNA position 1506, A replaced by G.
Protein change: p.Glu502=; no amino-acid change (glutamic acid 502 retained).
Molecular consequence: synonymous variant.
Genome position (GRCh38, 1-based): chr17:61,784,392, T>C on the plus strand (A>G on the coding strand, the complement: BRIP1 is on the minus strand). VCF-style: chr17-61784392-T-C. GRCh37 (hg19) VCF-style: chr17-59861753-T-C.
Identifiers: ClinVar variation 388722 (VCV000388722.20), dbSNP rs1057523215, ClinGen allele CA16607792.